The following is an entry in ClinVar:

NM_001291415.2(KDM6A):c.2892C>T (p.Ser964=)

Gene: KDM6A (lysine demethylase 6A; plus strand). Cytogenetic location: Xp11.3.
Variant type: single nucleotide variant.
Coding change: c.2892C>T on transcript NM_001291415.2 (MANE Select); coding-DNA position 2892, C replaced by T.
Protein change: p.Ser964=; no amino-acid change (serine 964 retained).
Molecular consequence: synonymous variant. On other transcripts: non-coding transcript variant (1).
Genome position (GRCh38, 1-based): chrX:45,076,730, C>T. VCF-style: chrX-45076730-C-T. GRCh37 (hg19) VCF-style: chrX-44935975-C-T.
Other names: c.2757C>T, p.Ser919= (NM_001291416.2, NM_001419811.1); c.2601C>T, p.Ser867= (NM_001291417.2); c.2499C>T, p.Ser833= (NM_001291418.2, NM_001419815.1); c.1848C>T, p.Ser616= (NM_001291421.2); c.2634C>T, p.Ser878= (NM_001410742.1, NM_001419814.1); c.2892C>T, p.Ser964= (NM_001419809.1); c.2790C>T, p.Ser930= (NM_001419810.1, NM_001419813.1); c.2736C>T, p.Ser912= (NM_001419812.1, NM_021140.4).
Identifiers: ClinVar variation 3617608 (VCV003617608.4).

ClinVar aggregate classification (germline): Likely benign. Review status: criteria provided, multiple submitters, no conflicts (2 of 4 stars). 2 submissions from 2 submitters: Likely benign (2). Last evaluated 2026-05-01.

Conditions:
Kabuki syndrome 2 (KABUK2). Also called: KDM6A-Related Kabuki Syndrome. Identifiers: Orphanet 2322, MedGen C3275495, MONDO:0010465, OMIM 300867.

Submissions (2):

CeGaT Center for Human Genetics Tuebingen
Classification: Likely benign. Last evaluated: 2026-05-01. Review status: criteria provided, single submitter. Criteria: CeGaT Center For Human Genetics Tuebingen Variant Classification Criteria Version 2. Collection method: clinical testing. Allele origin: germline. Affected: yes. Observed: 1 variant allele.
Comment: KDM6A: BP4

Labcorp Genetics (formerly Invitae), Labcorp
Classification: Likely benign for Kabuki syndrome 2. Last evaluated: 2025-11-22. Review status: criteria provided, single submitter. Criteria: Invitae Variant Classification Sherloc (09022015). Collection method: clinical testing. Allele origin: germline.